The following is an entry in ClinVar:

ClinVar aggregate classification (germline): Conflicting classifications of pathogenicity. Review status: criteria provided, conflicting classifications (1 of 4 stars). 2 submissions from 2 submitters: Uncertain significance (1); Benign (1). Last evaluated 2025-05-10.

Conditions:
Primary familial hypertrophic cardiomyopathy (HCM). Identifiers: Orphanet 99739, MedGen C0949658, MeSH D024741, MONDO:0024573. Inheritance: Various modes of inheritance.
Dilated cardiomyopathy 1AA (CMD1AA). Also called: Cardiomyopathy, dilated, 1AA, with or without LVNC; CARDIOMYOPATHY, DILATED, 1AA, WITH OR WITHOUT LEFT VENTRICULAR NONCOMPACTION; CARDIOMYOPATHY, FAMILIAL HYPERTROPHIC, 23, WITH OR WITHOUT LEFT VENTRICULAR NONCOMPACTION. Identifiers: Orphanet 154, MedGen C2677338, MONDO:0012808, OMIM 612158.
Cardiovascular phenotype. Identifiers: MedGen CN230736.

Allele frequency attached by ClinVar (database versions not stated): gnomAD exomes below 0.00001; ExAC 0.00001; gnomAD 0.00001; TOPMed 0.00002.
gnomAD v4.1: 4 of 1,613,984 alleles (0.00025%); highest among the groups gnomAD compares: African/African-American, 0.004%; no homozygotes.

Submissions (2):

Ambry Genetics
Classification: Uncertain significance for Cardiovascular phenotype. Last evaluated: 2025-05-10. Review status: criteria provided, single submitter. Criteria: Ambry Variant Classification Scheme 2023. Collection method: clinical testing. Allele origin: germline.
Comment: The p.A568G variant (also known as c.1703C>G), located in coding exon 15 of the ACTN2 gene, results from a C to G substitution at nucleotide position 1703. The alanine at codon 568 is replaced by glycine, an amino acid with similar properties. This amino acid position is conserved. In addition, the in silico prediction for this alteration is inconclusive. Since supporting evidence is limited at this time, the clinical significance of this alteration remains unclear.

Labcorp Genetics (formerly Invitae), Labcorp
Classification: Benign for Primary familial hypertrophic cardiomyopathy; Dilated cardiomyopathy 1AA. Last evaluated: 2024-04-22. Review status: criteria provided, single submitter. Criteria: Invitae Variant Classification Sherloc (09022015). Collection method: clinical testing. Allele origin: germline.

NM_001103.4(ACTN2):c.1703C>G (p.Ala568Gly)

Gene: ACTN2 (actinin alpha 2; plus strand). Cytogenetic location: 1q43.
Variant type: single nucleotide variant.
Coding change: c.1703C>G on transcript NM_001103.4 (MANE Select); coding-DNA position 1703, C replaced by G.
Protein change: p.Ala568Gly; replaces alanine 568 with glycine.
Molecular consequence: missense variant.
Genome position (GRCh38, 1-based): chr1:236,751,516, C>G. VCF-style: chr1-236751516-C-G. GRCh37 (hg19) VCF-style: chr1-236914816-C-G.
Other names: c.1079C>G, p.Ala360Gly (NM_001278344.2); c.1703C>G, p.Ala568Gly (NM_001278343.2); short protein forms A568G, A360G.
Identifiers: ClinVar variation 863792 (VCV000863792.13), dbSNP rs776805533, ClinGen allele CA1473229.